The following is an entry in ClinVar:

NM_000059.4(BRCA2):c.8582_8584dup (p.Arg2861dup)

Gene: BRCA2 (BRCA2 DNA repair associated; plus strand). Cytogenetic location: 13q13.1.
Variant type: Duplication.
Coding change: c.8582_8584dup on transcript NM_000059.4 (MANE Select); coding-DNA positions 8582 to 8584, 3 bases duplicated (GAC; older notation c.8582_8584dupGAC).
Protein change: p.Arg2861dup; duplicates arginine 2861.
Molecular consequence: inframe insertion.
Genome position (GRCh38, 1-based): chr13:32,371,050-32,371,052, GAC duplicated. VCF-style (leftmost placement, unchanged base first): chr13-32371049-A-AGAC. GRCh37 (hg19) VCF-style: chr13-32945186-A-AGAC.
Other names: c.8582_8584dupGAC (NM_000059.3); c.8582_8584dup (NM_000059.3).
Identifiers: ClinVar variation 657888 (VCV000657888.12), dbSNP rs1593931201, ClinGen allele CA915946900.

ClinVar aggregate classification (germline): Uncertain significance. Review status: criteria provided, multiple submitters, no conflicts (2 of 4 stars). 4 submissions from 4 submitters: Uncertain significance (4). Last evaluated 2024-03-13.

Conditions:
Hereditary breast ovarian cancer syndrome. Also called: BRCA1- and BRCA2-Associated Hereditary Breast and Ovarian Cancer; Hereditary breast and ovarian cancer syndrome; Hereditary breast and ovarian cancer syndrome (HBOC); Hereditary breast and/or ovarian cancer syndrome; Breast and ovarian cancer; Hereditary breast and ovarian cancer. Identifiers: Orphanet 145, MedGen C0677776, MeSH D061325, MONDO:0003582. Disease mechanism: loss of function.
Hereditary cancer-predisposing syndrome. Also called: Hereditary neoplastic syndrome; Neoplastic Syndromes, Hereditary; Hereditary Cancer Syndrome; Tumor predisposition. Identifiers: Orphanet 140162, MedGen C0027672, MeSH D009386, MONDO:0015356.

Submissions (4):

Ambry Genetics
Classification: Uncertain significance for Hereditary cancer-predisposing syndrome. Last evaluated: 2024-03-13. Review status: criteria provided, single submitter. Criteria: Ambry Variant Classification Scheme 2023. Collection method: clinical testing. Allele origin: germline.
Comment: The c.8582_8584dupGAC variant (also known as p.R2861dup), located in coding exon 19 of the BRCA2 gene, results from an in-frame duplication of GAC at nucleotide positions 8582 to 8584. This results in the duplication of an extra arginine residue between codons 2861 and 2862. This amino acid position is poorly conserved in available vertebrate species. In addition, the in silico prediction for this alteration is inconclusive (Choi Y et al. PLoS ONE. 2012; 7(10):e46688). Based on the available evidence, the clinical significance of this alteration remains unclear.

Quest Diagnostics Nichols Institute San Juan Capistrano
Classification: Uncertain significance. Last evaluated: 2023-07-06. Review status: criteria provided, single submitter. Criteria: Quest Diagnostics criteria. Collection method: clinical testing. Allele origin: unknown.
Comment: This variant has not been reported in the published literature. It also has not been reported in large, multi-ethnic general populations (Genome Aggregation Database). Based on the available information, we are unable to determine the clinical significance of this variant.

Mendelics
Classification: Uncertain significance. Last evaluated: 2022-05-04. Review status: criteria provided, single submitter. Criteria: Mendelics Assertion Criteria 2019. Collection method: clinical testing. Allele origin: germline.

Labcorp Genetics (formerly Invitae), Labcorp
Classification: Uncertain significance for Hereditary breast ovarian cancer syndrome. Last evaluated: 2018-11-17. Review status: criteria provided, single submitter. Criteria: Invitae Variant Classification Sherloc (09022015). Collection method: clinical testing. Allele origin: germline.
Comment: In summary, the available evidence is currently insufficient to determine the role of this variant in disease. Therefore, it has been classified as a Variant of Uncertain Significance. Experimental studies and prediction algorithms are not available for this variant, and the functional significance of the affected amino acid(s) is currently unknown. This variant has not been reported in the literature in individuals with BRCA2-related disease. This variant is not present in population databases (ExAC no frequency). This variant, c.8582_8584dupGAC, results in the insertion of 1 amino acid(s) to the BRCA2 protein (p.Arg2861dup), but otherwise preserves the integrity of the reading frame.